The following is an entry in ClinVar:

ClinVar aggregate classification (germline): Uncertain significance (1 of 4 stars; one submission).

Conditions:
Multiple endocrine neoplasia, type 2 (MEN2). Identifiers: Orphanet 653, MedGen C4048306, MONDO:0019003. Disease mechanism: gain of function.

Submission:

Labcorp Genetics (formerly Invitae), Labcorp
Classification: Uncertain significance for Multiple endocrine neoplasia, type 2. Last evaluated: 2024-10-14. Review status: criteria provided, single submitter. Criteria: Invitae Variant Classification Sherloc (09022015). Collection method: clinical testing. Allele origin: germline.
Comment: This sequence change replaces tyrosine, which is neutral and polar, with serine, which is neutral and polar, at codon 809 of the RET protein (p.Tyr809Ser). This variant is not present in population databases (gnomAD no frequency). This variant has not been reported in the literature in individuals affected with RET-related conditions. An algorithm developed to predict the effect of missense changes on protein structure and function (PolyPhen-2) suggests that this variant is likely to be disruptive. In summary, the available evidence is currently insufficient to determine the role of this variant in disease. Therefore, it has been classified as a Variant of Uncertain Significance.

NM_020975.6(RET):c.2426A>C (p.Tyr809Ser)

Gene: RET (ret proto-oncogene; plus strand). Cytogenetic location: 10q11.21.
Variant type: single nucleotide variant.
Coding change: c.2426A>C on transcript NM_020975.6 (MANE Select); coding-DNA position 2426, A replaced by C.
Protein change: p.Tyr809Ser; replaces tyrosine 809 with serine.
Molecular consequence: missense variant.
Genome position (GRCh38, 1-based): chr10:43,119,564, A>C. VCF-style: chr10-43119564-A-C. GRCh37 (hg19) VCF-style: chr10-43615012-A-C.
Other names: c.2426A>C, p.Tyr809Ser (NM_000323.2, NM_001406743.1, NM_001406744.1 and 4 more transcripts); c.1664A>C, p.Tyr555Ser (NM_001355216.2); c.2297A>C, p.Tyr766Ser (NM_001406761.1, NM_001406762.1, NM_001406764.1); c.2291A>C, p.Tyr764Ser (NM_001406763.1, NM_001406765.1); c.2138A>C, p.Tyr713Ser (NM_001406766.1, NM_001406767.1, NM_001406770.1); c.2162A>C, p.Tyr721Ser (NM_001406768.1); c.2030A>C, p.Tyr677Ser (NM_001406769.1, NM_001406772.1); c.1988A>C, p.Tyr663Ser (NM_001406771.1, NM_001406773.1); and 10 more; short protein forms Y470S, Y479S, Y634S, Y764S, Y766S, Y326S, Y713S, Y809S.
Identifiers: ClinVar variation 2767867 (VCV002767867.3), dbSNP rs2132943309, ClinGen allele CA376556111.